The following is an entry in ClinVar:

ClinVar aggregate classification (germline): Uncertain significance (1 of 4 stars; one submission).

gnomAD v4.1: 1 of 1,614,148 alleles (0.000062%); highest among the groups gnomAD compares: Non-Finnish European, 0.000085%; no homozygotes.

Submission:

Ambry Genetics
Classification: Uncertain significance. Last evaluated: 2024-05-14. Review status: criteria provided, single submitter. Criteria: Ambry Variant Classification Scheme 2023. Collection method: clinical testing. Allele origin: germline.
Comment: The p.P975Q variant (also known as c.2924C>A), located in coding exon 4 of the ALPK2 gene, results from a C to A substitution at nucleotide position 2924. The proline at codon 975 is replaced by glutamine, an amino acid with similar properties. This amino acid position is conserved. In addition, this alteration is predicted to be tolerated by in silico analysis. Based on the available evidence, the clinical significance of this variant remains unclear.

NM_052947.4(ALPK2):c.2924C>A (p.Pro975Gln)

Gene: ALPK2 (alpha kinase 2; minus strand). Cytogenetic location: 18q21.31.
Variant type: single nucleotide variant.
Coding change: c.2924C>A on transcript NM_052947.4 (MANE Select); coding-DNA position 2924, C replaced by A.
Protein change: p.Pro975Gln; replaces proline 975 with glutamine.
Molecular consequence: missense variant.
Genome position (GRCh38, 1-based): chr18:58,537,263, G>T on the plus strand (C>A on the coding strand, the complement: ALPK2 is on the minus strand). VCF-style: chr18-58537263-G-T. GRCh37 (hg19) VCF-style: chr18-56204495-G-T.
Other names: short protein forms P975Q.
Identifiers: ClinVar variation 3288822 (VCV003288822.1).
Genomic context (GRCh38, chr18:58,537,263, plus strand): 5'-TTAGCAGTTAATGTTGTTGGCTTCTCCCAAGGAAAACTCACAATTGAACTATAACTGGCT[G>T]GTGTGGCTGTGGTGTCTGCGGCACTAGGACTGGGGCTCTTGTCACCTCCTTCTTTAAATT-3'
Protein context (NP_443179.3, residues 965-985): SPSAADTTAT[Pro975Gln]ASYSSIVSFP